The following is an entry in ClinVar:

NM_000138.5(FBN1):c.4505G>A (p.Cys1502Tyr)

Gene: FBN1 (fibrillin 1; minus strand). Cytogenetic location: 15q21.1.
Variant type: single nucleotide variant.
Coding change: c.4505G>A on transcript NM_000138.5 (MANE Select); coding-DNA position 4505, G replaced by A.
Protein change: p.Cys1502Tyr; replaces cysteine 1502 with tyrosine.
Molecular consequence: missense variant.
Genome position (GRCh38, 1-based): chr15:48,468,489, C>T on the plus strand (G>A on the coding strand, the complement: FBN1 is on the minus strand). VCF-style: chr15-48468489-C-T. GRCh37 (hg19) VCF-style: chr15-48760686-C-T.
Other names: short protein forms C1502Y.
Identifiers: ClinVar variation 42363 (VCV000042363.12), dbSNP rs397515810, ClinGen allele CA015141.

ClinVar aggregate classification (germline): Pathogenic/Likely pathogenic. Review status: criteria provided, multiple submitters, no conflicts (2 of 4 stars). 4 submissions from 4 submitters: Pathogenic (2); Likely pathogenic (1). 1 of the submissions does not count toward it. Last evaluated 2025-12-08.

Conditions:
Marfan Syndrome/Loeys-Dietz Syndrome/Familial Thoracic Aortic Aneurysms and Dissections. Identifiers: MedGen CN229799.
Marfan syndrome (MFS). Also called: FBN1-Related Marfan Syndrome; Marfan syndrome, classic; MARFAN SYNDROME, TYPE I; Marfan syndrome type 1; Marfan's syndrome. Identifiers: Orphanet 284963, Orphanet 558, MedGen C0024796, MONDO:0007947, OMIM 154700.
Familial thoracic aortic aneurysm and aortic dissection (TAAD). Also called: Thoracic aortic aneurysms and dissections. Identifiers: Orphanet 91387, MedGen C4707243, MONDO:0019625.

Submissions (4):

Women's Health and Genetics/Laboratory Corporation of America, LabCorp
Classification: Pathogenic for Marfan Syndrome/Loeys-Dietz Syndrome/Familial Thoracic Aortic Aneurysms and Dissections. Last evaluated: 2025-12-08. Review status: criteria provided, single submitter. Criteria: LabCorp Variant Classification Summary - May 2015. Collection method: clinical testing. Allele origin: germline.
Comment: Variant summary: FBN1 c.4505G>A (p.Cys1502Tyr) results in a non-conservative amino acid change in the encoded protein sequence. Algorithms developed to predict the effect of missense changes on protein structure and function all suggest that this variant is likely to be disruptive. The variant was absent in 251106 control chromosomes. c.4505G>A has been observed in individual(s) affected with Marfan Syndrome (examples: Ganesh_2006, Stheneur_2009, internal data). In at least one individual the variant was observed to be de novo. These data indicate that the variant is likely to be associated with disease. The following publications have been ascertained in the context of this evaluation (PMID: 19293843, 16476890). ClinVar contains an entry for this variant (Variation ID: 42363). Based on the evidence outlined above, the variant was classified as pathogenic.

Labcorp Genetics (formerly Invitae), Labcorp
Classification: Pathogenic for Marfan syndrome; Familial thoracic aortic aneurysm and aortic dissection. Last evaluated: 2024-07-16. Review status: criteria provided, single submitter. Criteria: Invitae Variant Classification Sherloc (09022015). Collection method: clinical testing. Allele origin: germline.
Comment: This sequence change replaces cysteine, which is neutral and slightly polar, with tyrosine, which is neutral and polar, at codon 1502 of the FBN1 protein (p.Cys1502Tyr). This variant is not present in population databases (gnomAD no frequency). This missense change has been observed in individual(s) with Marfan syndrome (PMID: 16476890, 19293843; Invitae). In at least one individual the variant was observed to be de novo. ClinVar contains an entry for this variant (Variation ID: 42363). Advanced modeling of protein sequence and biophysical properties (such as structural, functional, and spatial information, amino acid conservation, physicochemical variation, residue mobility, and thermodynamic stability) performed at Invitae indicates that this missense variant is expected to disrupt FBN1 protein function with a positive predictive value of 95%. This variant affects a cysteine residue in the EGF-like, TGFBP or hybrid motif domains of FBN1. Cysteine residues are believed to be involved in intramolecular disulfide bridges and have been shown to be important for FBN1 protein structure (PMID: 16905551, 19349279). In addition, missense substitutions affecting cysteine residues within these domains are significantly overrepresented among patients with Marfan syndrome (PMID: 16571647, 17701892). For these reasons, this variant has been classified as Pathogenic.

Laboratory for Molecular Medicine, Mass General Brigham Personalized Medicine
Classification: Likely pathogenic for Marfan syndrome. Last evaluated: 2008-05-09. Review status: criteria provided, single submitter. Criteria: LMM Criteria. Collection method: clinical testing. Allele origin: germline. Observed: 1 variant allele.

Center for Medical Genetics Ghent, University of Ghent
Classification: Likely pathogenic for Marfan syndrome. Last evaluated: 2017-11-07. Review status: no assertion criteria provided. Collection method: clinical testing. Allele origin: germline. Affected: yes. Not counted in ClinVar's aggregate classification.

Literature cited by the submitters: PubMed 19293843 (cited by Women's Health and Genetics/Laboratory Corporation of America, LabCorp and Labcorp Genetics (formerly Invitae), Labcorp); PubMed 16476890 (cited by Women's Health and Genetics/Laboratory Corporation of America, LabCorp and Labcorp Genetics (formerly Invitae), Labcorp); PubMed 16905551 (cited by Labcorp Genetics (formerly Invitae), Labcorp); PubMed 19349279 (cited by Labcorp Genetics (formerly Invitae), Labcorp); PubMed 16571647 (cited by Labcorp Genetics (formerly Invitae), Labcorp); PubMed 17701892 (cited by Labcorp Genetics (formerly Invitae), Labcorp).